The following is an entry in ClinVar:

NM_016148.5(SHANK1):c.5888C>G (p.Ala1963Gly)

Gene: SHANK1 (SH3 and multiple ankyrin repeat domains 1; minus strand). Cytogenetic location: 19q13.33.
Variant type: single nucleotide variant.
Coding change: c.5888C>G on transcript NM_016148.5 (MANE Select); coding-DNA position 5888, C replaced by G.
Protein change: p.Ala1963Gly; replaces alanine 1963 with glycine.
Molecular consequence: missense variant.
Genome position (GRCh38, 1-based): chr19:50,662,563, G>C on the plus strand (C>G on the coding strand, the complement: SHANK1 is on the minus strand). VCF-style: chr19-50662563-G-C. GRCh37 (hg19) VCF-style: chr19-51165820-G-C.
Other names: c.5888C>G (NM_016148.2); short protein forms A1963G.
Identifiers: ClinVar variation 728902 (VCV000728902.7), dbSNP rs199610046, ClinGen allele CA9600923.

ClinVar aggregate classification (germline): Likely benign. Review status: criteria provided, multiple submitters, no conflicts (2 of 4 stars). 4 submissions from 4 submitters: Likely benign (3). 1 of the submissions does not count toward it. Last evaluated 2025-05-21.

Conditions:
SHANK1-related disorder. Also called: SHANK1-related condition.
Inborn genetic diseases. Identifiers: MedGen C0950123, MeSH D030342.

Allele frequency attached by ClinVar (database versions not stated): gnomAD exomes 0.00017 and 0.00041; 1000 Genomes Project 0.00220; ESP Exome Variant Server 0.00148; gnomAD 0.00208 and 0.00199; 1000 Genomes Project 30x 0.00219; ExAC 0.00097; TOPMed 0.00187.
gnomAD v4.1: 554 of 1,562,454 alleles (0.035%); highest among the groups gnomAD compares: African/African-American, 0.64%; 2 homozygotes.

Submissions (4):

Ambry Genetics
Classification: Likely benign for Inborn genetic diseases. Last evaluated: 2025-05-21. Review status: criteria provided, single submitter. Criteria: Ambry Variant Classification Scheme 2023. Collection method: clinical testing. Allele origin: germline.

Labcorp Genetics (formerly Invitae), Labcorp
Classification: Likely benign. Last evaluated: 2018-03-30. Review status: criteria provided, single submitter. Criteria: Invitae Variant Classification Sherloc (09022015). Collection method: clinical testing. Allele origin: germline.

Breakthrough Genomics
Classification: Likely benign. Review status: criteria provided, single submitter. Criteria: ACMG Guidelines, 2015. Collection method: not provided. Allele origin: germline. Inheritance: Unknown mechanism. Affected: yes.

PreventionGenetics, part of Exact Sciences
Classification: Likely benign for SHANK1-related condition. Last evaluated: 2019-05-21. Review status: no assertion criteria provided. Collection method: clinical testing. Allele origin: germline. Not counted in ClinVar's aggregate classification.
Comment: This variant is classified as likely benign based on ACMG/AMP sequence variant interpretation guidelines (Richards et al. 2015 PMID: 25741868, with internal and published modifications).